The following is an entry in ClinVar:

NM_000439.5(PCSK1):c.1213C>A (p.Arg405=)

Genes: CAST (calpastatin; plus strand), PCSK1 (proprotein convertase subtilisin/kexin type 1; minus strand), LOC101929710 (uncharacterized LOC101929710; plus strand). Cytogenetic location: 5q15.
Variant type: single nucleotide variant.
Coding change: c.1213C>A on transcript NM_000439.5 (MANE Select); coding-DNA position 1213, C replaced by A.
Protein change: p.Arg405=; no amino-acid change (arginine 405 retained).
Molecular consequence: synonymous variant. On other transcripts: intron variant (11).
Genome position (GRCh38, 1-based): chr5:96,400,170, G>T on the plus strand (C>A on the coding strand, the complement: PCSK1 is on the minus strand). VCF-style: chr5-96400170-G-T. GRCh37 (hg19) VCF-style: chr5-95735874-G-T.
Other names: c.1072C>A, p.Arg358= (NM_001177875.2); c.-175+20518G>T (NM_001423254.1, NM_001423259.1, NM_001423255.1 and 6 more transcripts); c.-103+20518G>T (NM_001423253.1); c.-40+20518G>T (NM_001423258.1).
Identifiers: ClinVar variation 3770806 (VCV003770806.13).

ClinVar aggregate classification (germline): Likely benign (1 of 4 stars; one submission).

gnomAD v4.1: 13 of 1,613,100 alleles (0.00081%); highest among the groups gnomAD compares: Non-Finnish European, 0.00093%; no homozygotes.

Submission:

CeGaT Center for Human Genetics Tuebingen
Classification: Likely benign. Last evaluated: 2025-02-01. Review status: criteria provided, single submitter. Criteria: CeGaT Center For Human Genetics Tuebingen Variant Classification Criteria Version 2. Collection method: clinical testing. Allele origin: germline. Affected: yes. Observed: 1 variant allele.
Comment: PCSK1: BP4, BP7